The following is an entry in ClinVar:

ClinVar aggregate classification (germline): Uncertain significance (1 of 4 stars; one submission).

Conditions:
ALMS1-related disorder. Also called: ALMS1-related condition.

gnomAD v4.1: 4 of 1,096,270 alleles (0.00036%); highest among the groups gnomAD compares: Non-Finnish European, 0.00054%; no homozygotes.

Submission:

PreventionGenetics, part of Exact Sciences
Classification: Uncertain significance for ALMS1-related condition. Last evaluated: 2026-04-23. Review status: criteria provided, single submitter. Criteria: ACMG Guidelines, 2015. Collection method: clinical testing. Allele origin: germline.
Comment: The ALMS1 c.67G>A variant is predicted to result in the amino acid substitution p.Glu23Lys. To our knowledge, this variant has not been reported in the literature or in a large population database (gnomAD), indicating this variant is rare. At this time, the clinical significance of this variant is uncertain due to the absence of conclusive functional and genetic evidence.

NM_001378454.1(ALMS1):c.64G>A (p.Glu22Lys)

Gene: ALMS1 (ALMS1 centrosome and basal body associated protein; plus strand). Cytogenetic location: 2p13.1.
Variant type: single nucleotide variant.
Coding change: c.64G>A on transcript NM_001378454.1 (MANE Select); coding-DNA position 64, G replaced by A.
Protein change: p.Glu22Lys; replaces glutamic acid 22 with lysine.
Molecular consequence: missense variant.
Genome position (GRCh38, 1-based): chr2:73,385,932, G>A. VCF-style: chr2-73385932-G-A. GRCh37 (hg19) VCF-style: chr2-73613060-G-A.
Other names: c.67G>A, p.Glu23Lys (NM_015120.4); short protein forms E23K, E22K.
Identifiers: ClinVar variation 4990457 (VCV004990457.1).